The following is an entry in ClinVar:

NM_006432.5(NPC2):c.296G>T (p.Cys99Phe)

Gene: NPC2 (NPC intracellular cholesterol transporter 2; minus strand). Cytogenetic location: 14q24.3.
Variant type: single nucleotide variant.
Coding change: c.296G>T on transcript NM_006432.5 (MANE Select); coding-DNA position 296, G replaced by T.
Protein change: p.Cys99Phe; replaces cysteine 99 with phenylalanine.
Molecular consequence: missense variant.
Genome position (GRCh38, 1-based): chr14:74,484,482, C>A on the plus strand (G>T on the coding strand, the complement: NPC2 is on the minus strand). VCF-style: chr14-74484482-C-A. GRCh37 (hg19) VCF-style: chr14-74951185-C-A.
Other names: c.296G>T, p.Cys99Phe (NM_001363688.1, NM_001375440.1); short protein forms C99F.
Identifiers: ClinVar variation 2111737 (VCV002111737.4), dbSNP rs2506104453, ClinGen allele CA390532386.

ClinVar aggregate classification (germline): Uncertain significance (1 of 4 stars; one submission).

Conditions:
Niemann-Pick disease, type C2 (NPC2). Identifiers: Orphanet 646, MedGen C1843366, MONDO:0011873, OMIM 607625.

Submission:

Labcorp Genetics (formerly Invitae), Labcorp
Classification: Uncertain significance for Niemann-Pick disease, type C2. Last evaluated: 2022-08-08. Review status: criteria provided, single submitter. Criteria: Invitae Variant Classification Sherloc (09022015). Collection method: clinical testing. Allele origin: germline.
Comment: In summary, the available evidence is currently insufficient to determine the role of this variant in disease. Therefore, it has been classified as a Variant of Uncertain Significance. This variant disrupts the p.Cys99 amino acid residue in NPC2. Other variant(s) that disrupt this residue have been determined to be pathogenic (PMID: 15937921, 22676771). This suggests that this residue is clinically significant, and that variants that disrupt this residue are likely to be disease-causing. Algorithms developed to predict the effect of missense changes on protein structure and function (SIFT, PolyPhen-2, Align-GVGD) all suggest that this variant is likely to be disruptive. This variant has not been reported in the literature in individuals affected with NPC2-related conditions. This variant is not present in population databases (gnomAD no frequency). This sequence change replaces cysteine, which is neutral and slightly polar, with phenylalanine, which is neutral and non-polar, at codon 99 of the NPC2 protein (p.Cys99Phe).

Literature cited by the submitters: PubMed 15937921; PubMed 22676771.